The following is an entry in ClinVar:

ClinVar aggregate classification (germline): Uncertain significance (1 of 4 stars; one submission).

Allele frequency attached by ClinVar (database versions not stated): ExAC 0.00002; gnomAD exomes 0.00002; 1000 Genomes Project 0.00020; 1000 Genomes Project 30x 0.00031.

Submission:

Labcorp Genetics (formerly Invitae), Labcorp
Classification: Uncertain significance. Last evaluated: 2023-01-06. Review status: criteria provided, single submitter. Criteria: Invitae Variant Classification Sherloc (09022015). Collection method: clinical testing. Allele origin: germline.
Comment: In summary, the available evidence is currently insufficient to determine the role of this variant in disease. Therefore, it has been classified as a Variant of Uncertain Significance. Advanced modeling of protein sequence and biophysical properties (such as structural, functional, and spatial information, amino acid conservation, physicochemical variation, residue mobility, and thermodynamic stability) performed at Invitae indicates that this missense variant is expected to disrupt WNT4 protein function. This variant has not been reported in the literature in individuals affected with WNT4-related conditions. This variant is present in population databases (rs575232335, gnomAD 0.004%). This sequence change replaces glycine, which is neutral and non-polar, with serine, which is neutral and polar, at codon 314 of the WNT4 protein (p.Gly314Ser).

NM_030761.5(WNT4):c.940G>A (p.Gly314Ser)

Gene: WNT4 (Wnt family member 4; minus strand). Cytogenetic location: 1p36.12.
Variant type: single nucleotide variant.
Coding change: c.940G>A on transcript NM_030761.5 (MANE Select); coding-DNA position 940, G replaced by A.
Protein change: p.Gly314Ser; replaces glycine 314 with serine.
Molecular consequence: missense variant.
Genome position (GRCh38, 1-based): chr1:22,120,166, C>T on the plus strand (G>A on the coding strand, the complement: WNT4 is on the minus strand). VCF-style: chr1-22120166-C-T. GRCh37 (hg19) VCF-style: chr1-22446659-C-T.
Other names: short protein forms G314S.
Identifiers: ClinVar variation 2722636 (VCV002722636.3), dbSNP rs575232335, ClinGen allele CA675242.
Genomic context (GRCh38, chr1:22,120,166, plus strand): 5'-AGCACCAGTGGAATTTGCAGCTGCAGCGTTCAGCCAGCTCCACCTGCGCCGTGTGGAAGC[C>T]GCGGCCACAGCACAGCAGCTCACAGCCGTCGATGGCCTTGGACGTCTTGTTGCATGTGCG-3'
Protein context (NP_110388.2, residues 304-324): DGCELLCCGR[Gly314Ser]FHTAQVELAE